The following is an entry in ClinVar:

NM_000748.3(CHRNB2):c.373_376delinsCTGC (p.Gly125_Met126delinsLeuLeu)

Gene: CHRNB2 (cholinergic receptor nicotinic beta 2 subunit; plus strand). Cytogenetic location: 1q21.3.
Variant type: Indel.
Coding change: c.373_376delinsCTGC on transcript NM_000748.3 (MANE Select); coding-DNA positions 373 to 376, GGCA replaced by CTGC.
Protein change: p.Gly125_Met126delinsLeuLeu.
Molecular consequence: missense variant.
Genome position (GRCh38, 1-based): chr1:154,571,196-154,571,199, GGCA replaced by CTGC. VCF-style: chr1-154571196-GGCA-CTGC. GRCh37 (hg19) VCF-style: chr1-154543672-GGCA-CTGC.
Identifiers: ClinVar variation 4891381 (VCV004891381.1).

ClinVar aggregate classification (germline): Uncertain significance (1 of 4 stars; one submission).

Submission:

GeneDx
Classification: Uncertain significance. Last evaluated: 2026-02-04. Review status: criteria provided, single submitter. Criteria: GeneDx Variant Classification Process June 2021. Collection method: clinical testing. Allele origin: germline.
Comment: Not observed at significant frequency in large population cohorts (gnomAD); In silico analysis suggests that this variant does not alter protein structure/function; Has not been previously published as pathogenic or benign to our knowledge